The following is an entry in ClinVar:

NM_152383.5(DIS3L2):c.2311G>A (p.Glu771Lys)

Gene: DIS3L2 (DIS3 like 3'-5' exoribonuclease 2; plus strand). Cytogenetic location: 2q37.1.
Variant type: single nucleotide variant.
Coding change: c.2311G>A on transcript NM_152383.5 (MANE Select); coding-DNA position 2311, G replaced by A.
Protein change: p.Glu771Lys; replaces glutamic acid 771 with lysine.
Molecular consequence: missense variant. On other transcripts: non-coding transcript variant (2), intron variant (1).
Genome position (GRCh38, 1-based): chr2:232,334,652, G>A. VCF-style: chr2-232334652-G-A. GRCh37 (hg19) VCF-style: chr2-233199362-G-A.
Other names: c.1582-8693G>A (NM_001257281.2); short protein forms E771K.
Identifiers: ClinVar variation 849822 (VCV000849822.9), dbSNP rs1387752785, ClinGen allele CA350977945.

ClinVar aggregate classification (germline): Uncertain significance (1 of 4 stars; one submission).

Conditions:
Perlman syndrome (PRLMNS). Identifiers: Orphanet 2849, MedGen C0796113, MONDO:0009965, OMIM 267000.

Allele frequency attached by ClinVar (database versions not stated): TOPMed below 0.00001; gnomAD 0.00001.
gnomAD v4.1: 1 of 1,609,406 alleles (0.000062%); highest among the groups gnomAD compares: East Asian, 0.0022%; no homozygotes.

Submission:

Labcorp Genetics (formerly Invitae), Labcorp
Classification: Uncertain significance for Perlman syndrome. Last evaluated: 2023-11-27. Review status: criteria provided, single submitter. Criteria: Invitae Variant Classification Sherloc (09022015). Collection method: clinical testing. Allele origin: germline.
Comment: This sequence change replaces glutamic acid, which is acidic and polar, with lysine, which is basic and polar, at codon 771 of the DIS3L2 protein (p.Glu771Lys). This variant is not present in population databases (gnomAD no frequency). This variant has not been reported in the literature in individuals affected with DIS3L2-related conditions. ClinVar contains an entry for this variant (Variation ID: 849822). Advanced modeling of protein sequence and biophysical properties (such as structural, functional, and spatial information, amino acid conservation, physicochemical variation, residue mobility, and thermodynamic stability) performed at Invitae indicates that this missense variant is not expected to disrupt DIS3L2 protein function with a negative predictive value of 80%. In summary, the available evidence is currently insufficient to determine the role of this variant in disease. Therefore, it has been classified as a Variant of Uncertain Significance.